The following is an entry in ClinVar:

ClinVar aggregate classification (germline): Uncertain significance (1 of 4 stars; one submission).

Submission:

GeneDx
Classification: Uncertain significance. Last evaluated: 2025-06-10. Review status: criteria provided, single submitter. Criteria: GeneDx Variant Classification Process June 2021. Collection method: clinical testing. Allele origin: germline. Affected: yes.
Comment: Not observed at significant frequency in large population cohorts (gnomAD); Has not been previously published as pathogenic or benign to our knowledge; Canonical splice site variant in a gene for which loss-of-function is not an established mechanism of disease

NM_001378328.1(CELSR1):c.7585-2A>G

Gene: CELSR1 (cadherin EGF LAG seven-pass G-type receptor 1; minus strand). Cytogenetic location: 22q13.31.
Variant type: single nucleotide variant.
Coding change: c.7585-2A>G on transcript NM_001378328.1 (MANE Select); the canonical splice acceptor site of the intron before coding-DNA position 7585, A replaced by G.
Molecular consequence: splice acceptor variant.
Genome position (GRCh38, 1-based): chr22:46,373,059, T>C on the plus strand (A>G on the coding strand, the complement: CELSR1 is on the minus strand). VCF-style: chr22-46373059-T-C. GRCh37 (hg19) VCF-style: chr22-46768956-T-C.
Other names: c.7585-2A>G (NM_014246.4).
Identifiers: ClinVar variation 4537670 (VCV004537670.1).